The following is an entry in ClinVar:

ClinVar aggregate classification (germline): Benign. Review status: criteria provided, multiple submitters, no conflicts (2 of 4 stars). 3 submissions from 3 submitters: Benign (3). Last evaluated 2021-07-15.

Conditions:
Neuropathy, hereditary sensory and autonomic, type 1C. Also called: HSAN IC; HSN IC. Identifiers: Orphanet 36386, MedGen C3150896, MONDO:0013337, OMIM 613640.

Allele frequency attached by ClinVar (database versions not stated): TOPMed 0.43820; ESP Exome Variant Server 0.44180; gnomAD 0.46203; 1000 Genomes Project 30x 0.46408; 1000 Genomes Project 0.48003.
gnomAD v4.1: 856,017 of 1,551,308 alleles (55%); highest among the groups gnomAD compares: East Asian, 89%; 246,242 homozygotes.

Submissions (3):

Genome-Nilou Lab
Classification: Benign for Neuropathy, hereditary sensory and autonomic, type 1C. Last evaluated: 2021-07-15. Review status: criteria provided, single submitter. Criteria: ACMG Guidelines, 2015. Collection method: clinical testing. Allele origin: germline. Affected: no.

GeneDx
Classification: Benign. Last evaluated: 2018-06-19. Review status: criteria provided, single submitter. Criteria: GeneDx Variant Classification (06012015). Collection method: clinical testing. Allele origin: germline. Affected: yes.
Comment: This variant is considered likely benign or benign based on one or more of the following criteria: it is a conservative change, it occurs at a poorly conserved position in the protein, it is predicted to be benign by multiple in silico algorithms, and/or has population frequency not consistent with disease.

Breakthrough Genomics
Classification: Benign. Review status: criteria provided, single submitter. Criteria: ACMG Guidelines, 2015. Collection method: not provided. Allele origin: germline. Inheritance: Autosomal dominant inheritance. Affected: yes.

NM_004863.4(SPTLC2):c.851-30G>C

Gene: SPTLC2 (serine palmitoyltransferase long chain base subunit 2; minus strand). Cytogenetic location: 14q24.3.
Variant type: single nucleotide variant.
Coding change: c.851-30G>C on transcript NM_004863.4 (MANE Select); 30 bases into the intron before coding-DNA position 851, G replaced by C.
Molecular consequence: intron variant.
Genome position (GRCh38, 1-based): chr14:77,557,176, C>G on the plus strand (G>C on the coding strand, the complement: SPTLC2 is on the minus strand). VCF-style: chr14-77557176-C-G. GRCh37 (hg19) VCF-style: chr14-78023519-C-G.
Identifiers: ClinVar variation 670569 (VCV000670569.4), dbSNP rs2272587, ClinGen allele CA7289337.